The following is an entry in ClinVar:

ClinVar aggregate classification (germline): Benign/Likely benign. Review status: criteria provided, multiple submitters, no conflicts (2 of 4 stars). 4 submissions from 4 submitters: Benign (1); Likely benign (3). Last evaluated 2026-07-23.

Conditions:
Hereditary cancer-predisposing syndrome. Also called: Tumor predisposition; Neoplastic Syndromes, Hereditary; Hereditary Cancer Syndrome; Hereditary neoplastic syndrome. Identifiers: Orphanet 140162, MedGen C0027672, MeSH D009386, MONDO:0015356.
Rhabdoid tumor predisposition syndrome 2 (RTPS2). Identifiers: Orphanet 231108, Orphanet 69077, MedGen C2750074, MONDO:0013224, OMIM 613325.

Allele frequency attached by ClinVar (database versions not stated): gnomAD exomes 0.00001 and 0.00002; TOPMed below 0.00001; gnomAD 0.00001.
gnomAD v4.1: 6 of 1,574,656 alleles (0.00038%); highest among the groups gnomAD compares: Admixed American, 0.011%; no homozygotes.

Submissions (4):

Myriad Genetics, Inc.
Classification: Benign for Rhabdoid tumor predisposition syndrome 2. Last evaluated: 2026-07-23. Review status: criteria provided, single submitter. Criteria: Myriad Autosomal Dominant, Autosomal Recessive and X-Linked Classification Criteria (2023). Collection method: clinical testing. Allele origin: unknown.
Comment: This variant is considered benign. This variant is a silent/synonymous amino acid change and it is not expected to impact splicing.

Labcorp Genetics (formerly Invitae), Labcorp
Classification: Likely benign for Rhabdoid tumor predisposition syndrome 2. Last evaluated: 2026-01-11. Review status: criteria provided, single submitter. Criteria: Invitae Variant Classification Sherloc (09022015). Collection method: clinical testing. Allele origin: germline.

Sema4
Classification: Likely benign for Hereditary cancer-predisposing syndrome. Last evaluated: 2022-03-15. Review status: criteria provided, single submitter. Criteria: Sema4 Curation Guidelines. Collection method: curation. Allele origin: germline.

Ambry Genetics
Classification: Likely benign for Hereditary cancer-predisposing syndrome. Last evaluated: 2016-05-24. Review status: criteria provided, single submitter. Criteria: Ambry Variant Classification Scheme 2023. Collection method: clinical testing. Allele origin: germline.

NM_003072.5(SMARCA4):c.4644A>G (p.Glu1548=)

Gene: SMARCA4 (SWI/SNF related BAF chromatin remodeling complex subunit ATPase 4; plus strand). Cytogenetic location: 19p13.2.
Variant type: single nucleotide variant.
Coding change: c.4644A>G on transcript NM_003072.5 (MANE Select); coding-DNA position 4644, A replaced by G.
Protein change: p.Glu1548=; no amino-acid change (glutamic acid 1548 retained).
Molecular consequence: synonymous variant. On other transcripts: non-coding transcript variant (1).
Genome position (GRCh38, 1-based): chr19:11,059,761, A>G. VCF-style: chr19-11059761-A-G. GRCh37 (hg19) VCF-style: chr19-11170437-A-G.
Other names: c.4644A>G, p.Glu1548= (NM_001128844.3); c.4554A>G, p.Glu1518= (NM_001128845.2); c.4551A>G, p.Glu1517= (NM_001128846.2); c.4545A>G, p.Glu1515= (NM_001128847.4, NM_001374457.1); c.4542A>G, p.Glu1514= (NM_001128848.2); c.4740A>G, p.Glu1580= (NM_001128849.3, NM_001387283.1).
Identifiers: ClinVar variation 484903 (VCV000484903.17), dbSNP rs1003149388, ClinGen allele CA305298935.